The following is an entry in ClinVar:

ClinVar aggregate classification (germline): Uncertain significance (1 of 4 stars; one submission).

Conditions:
Hereditary cancer-predisposing syndrome. Also called: Hereditary Cancer Syndrome; Neoplastic Syndromes, Hereditary; Tumor predisposition; Hereditary neoplastic syndrome. Identifiers: Orphanet 140162, MedGen C0027672, MeSH D009386, MONDO:0015356.

Submission:

Ambry Genetics
Classification: Uncertain significance for Hereditary cancer-predisposing syndrome. Last evaluated: 2019-06-03. Review status: criteria provided, single submitter. Criteria: Ambry Variant Classification Scheme 2023. Collection method: clinical testing. Allele origin: germline.
Comment: The p.G1601D variant (also known as c.4802G>A), located in coding exon 36 of the TSC2 gene, results from a G to A substitution at nucleotide position 4802. The glycine at codon 1601 is replaced by aspartic acid, an amino acid with similar properties. This amino acid position is highly conserved in available vertebrate species. In addition, this alteration is predicted to be deleterious by in silico analysis. Since supporting evidence is limited at this time, the clinical significance of this alteration remains unclear.

NM_000548.5(TSC2):c.4802G>A (p.Gly1601Asp)

Gene: TSC2 (TSC complex subunit 2; plus strand). Cytogenetic location: 16p13.3.
Variant type: single nucleotide variant.
Coding change: c.4802G>A on transcript NM_000548.5 (MANE Select); coding-DNA position 4802, G replaced by A.
Protein change: p.Gly1601Asp; replaces glycine 1601 with aspartic acid.
Molecular consequence: missense variant.
Genome position (GRCh38, 1-based): chr16:2,086,332, G>A. VCF-style: chr16-2086332-G-A. GRCh37 (hg19) VCF-style: chr16-2136333-G-A.
Other names: c.4202G>A, p.Gly1401Asp (NM_001406680.1); c.4142G>A, p.Gly1381Asp (NM_001406681.1); c.4133G>A, p.Gly1378Asp (NM_001406682.1, NM_001406683.1); c.4130G>A, p.Gly1377Asp (NM_001406684.1); c.4004G>A, p.Gly1335Asp (NM_001406685.1, NM_001406686.1); c.4001G>A, p.Gly1334Asp (NM_001406687.1, NM_001406688.1); c.3389G>A, p.Gly1130Asp (NM_001406689.1); c.3329G>A, p.Gly1110Asp (NM_001406690.1); and 26 more; short protein forms G1110D, G1377D, G1528D, G1529D, G1530D, G1541D, G1545D, G1557D.
Identifiers: ClinVar variation 1743210 (VCV001743210.2), dbSNP rs2151574981, ClinGen allele CA394308053.
Genomic context (GRCh38, chr16:2,086,332, plus strand): 5'-TCATCGAGCTGAAGGACTGCCAGCCGGACAAGGTGTACCTGGGAGGCCTGGACGTGTGTG[G>A]TGAGGACGGCCAGTTCACCTACTGCTGGCACGATGACATCATGCAAGGTACGGCCTGGCG-3'
Protein context (NP_000539.2, residues 1591-1611): KVYLGGLDVC[Gly1601Asp]EDGQFTYCWH